The following is an entry in ClinVar:

ClinVar aggregate classification (germline): Likely pathogenic (1 of 4 stars; one submission).

Conditions:
Parathyroid carcinoma (PRTC). Also called: Parathyroid gland carcinoma; CDC73-Related Parathyroid Carcinoma. Identifiers: Orphanet 143, MedGen C0687150, MONDO:0012004, OMIM 608266, HP:0006780.
Hyperparathyroidism 1 (HRPT1). Also called: HYPERPARATHYROIDISM, FAMILIAL ISOLATED PRIMARY. Identifiers: Orphanet 99879, MedGen C1840402, MONDO:0007767, OMIM 145000.
Hyperparathyroidism 2 with jaw tumors. Also called: HYPERPARATHYROIDISM, FAMILIAL PRIMARY, WITH MULTIPLE OSSIFYING JAW FIBROMAS; HYPERPARATHYROIDISM-JAW TUMOR SYNDROME, HEREDITARY; Hyperparathyroidism 2; Hyperparathyroidism-Jaw Tumor Syndrome. Identifiers: Orphanet 99880, MedGen C1704981, MONDO:0007768, OMIM 145001.

Submission:

Juno Genomics, Hangzhou Juno Genomics, Inc
Classification: Likely pathogenic for Hyperparathyroidism 1; Hyperparathyroidism 2 with jaw tumors; Parathyroid carcinoma. Review status: criteria provided, single submitter. Criteria: ACMG Guidelines, 2015. Collection method: clinical testing. Allele origin: germline.
Comment: Absent from controls (or at extremely low frequency if recessive) in Genome Aggregation Database.;Null variant in a gene where loss of function (LOF) is a known mechanism of disease.

NM_024529.5(CDC73):c.127dup (p.Trp43fs)

Gene: CDC73 (cell division cycle 73; plus strand). Cytogenetic location: 1q31.2.
Variant type: Duplication.
Coding change: c.127dup on transcript NM_024529.5 (MANE Select); coding-DNA position 127, one base duplicated (T; older notation c.127dupT).
Protein change: p.Trp43fs; shifts the reading frame from tryptophan 43.
Molecular consequence: frameshift variant.
Genome position (GRCh38, 1-based): chr1:193,122,327, T duplicated; the last of 3 consecutive T bases (chr1:193,122,325-193,122,327); duplicating any one gives the same sequence. VCF-style (leftmost placement, unchanged base first): chr1-193122324-G-GT. GRCh37 (hg19) VCF-style: chr1-193091454-G-GT.
Other names: short protein forms W43fs.
Identifiers: ClinVar variation 3382714 (VCV003382714.3).
Genomic context (GRCh38, chr1:193,122,324, plus strand): 5'-GGAGACGAAGTGATCTTCGGGGAGTTCTCCTGGCCCAAGAATGTGAAGACCAACTATGTT[G>GT]TTTGGGGGTAAGTCCGGCATGGCTGTGGCCCAGGGGTGGCAGGGCAGAGTTGGGCGCCCC-3'